The following is an entry in ClinVar:

ClinVar aggregate classification (germline): Pathogenic (1 of 4 stars; one submission).

Conditions:
Imerslund-Grasbeck syndrome type 2. Also called: Megaloblastic anemia 1, Norwegian type; MEGALOBLASTIC ANEMIA, NORWEGIAN TYPE; Imerslund-Gräsbeck syndrome 2. Identifiers: MedGen C4016948, MONDO:0100157, OMIM 618882.

Submission:

MVZ Medizinische Genetik Mainz
Classification: Pathogenic for Imerslund-Grasbeck syndrome type 2. Last evaluated: 2022-08-10. Review status: criteria provided, single submitter. Criteria: UK Practice Guidelines For Variant Classification V4 01 2020. Collection method: clinical testing. Allele origin: germline. Inheritance: Autosomal recessive inheritance. Affected: yes. Observed: 1 variant allele.
Comment: ACMG Criteria: PVS1, PM2_SUP, PM3_SUP, PP4

NM_030943.4(AMN):c.682C>T (p.Gln228Ter)

Gene: AMN (amnion associated transmembrane protein; plus strand). Cytogenetic location: 14q32.32.
Variant type: single nucleotide variant.
Coding change: c.682C>T on transcript NM_030943.4 (MANE Select); coding-DNA position 682, C replaced by T.
Protein change: p.Gln228Ter; replaces glutamine 228 with a stop codon.
Molecular consequence: nonsense.
Genome position (GRCh38, 1-based): chr14:102,929,458, C>T. VCF-style: chr14-102929458-C-T. GRCh37 (hg19) VCF-style: chr14-103395795-C-T.
Other names: c.520C>T, p.Gln174Ter (NM_001425246.1); short protein forms Q174*, Q228*.
Identifiers: ClinVar variation 3066362 (VCV003066362.1), dbSNP rs1163522093, ClinGen allele CA391082090.